The following is an entry in ClinVar:

NM_004260.4(RECQL4):c.3056G>T (p.Gly1019Val)

Gene: RECQL4 (RecQ like helicase 4; minus strand). Cytogenetic location: 8q24.3.
Variant type: single nucleotide variant.
Coding change: c.3056G>T on transcript NM_004260.4 (MANE Select); coding-DNA position 3056, G replaced by T.
Protein change: p.Gly1019Val; replaces glycine 1019 with valine.
Molecular consequence: missense variant. On other transcripts: non-coding transcript variant (2).
Genome position (GRCh38, 1-based): chr8:144,512,324, C>A on the plus strand (G>T on the coding strand, the complement: RECQL4 is on the minus strand). VCF-style: chr8-144512324-C-A. GRCh37 (hg19) VCF-style: chr8-145737707-C-A.
Other names: c.2762G>T, p.Gly921Val (NM_001413017.1); c.2858G>T, p.Gly953Val (NM_001413018.1); c.3131G>T, p.Gly1044Val (NM_001413019.1); c.2960G>T, p.Gly987Val (NM_001413020.1); c.1985G>T, p.Gly662Val (NM_001413021.1, NM_001413022.1, NM_001413024.1 and 4 more transcripts); c.2060G>T, p.Gly687Val (NM_001413023.1); c.2927G>T, p.Gly976Val (NM_001413025.1); c.1919G>T, p.Gly640Val (NM_001413027.1, NM_001413030.1, NM_001413032.1); and 9 more; short protein forms G1019V, G530V, G596V, G618V, G662V, G953V, G975V, G987V.
Identifiers: ClinVar variation 4729213 (VCV004729213.1).

ClinVar aggregate classification (germline): Uncertain significance (1 of 4 stars; one submission).

Conditions:
Baller-Gerold syndrome (BGS). Also called: CRANIOSYNOSTOSIS WITH RADIAL DEFECTS. Identifiers: Orphanet 1225, MedGen C0265308, MONDO:0009039, OMIM 218600.

Submission:

Labcorp Genetics (formerly Invitae), Labcorp
Classification: Uncertain significance for Baller-Gerold syndrome. Last evaluated: 2025-10-14. Review status: criteria provided, single submitter. Criteria: Invitae Variant Classification Sherloc (09022015). Collection method: clinical testing. Allele origin: germline.
Comment: This sequence change replaces glycine, which is neutral and non-polar, with valine, which is neutral and non-polar, at codon 1019 of the RECQL4 protein (p.Gly1019Val). This variant is not present in population databases (gnomAD no frequency). This variant has not been reported in the literature in individuals affected with RECQL4-related conditions. Experimental studies and prediction algorithms are not available or were not evaluated, and the functional significance of this variant is currently unknown. Algorithms developed to predict the effect of sequence changes on RNA splicing suggest that this variant may disrupt the consensus splice site. In summary, the available evidence is currently insufficient to determine the role of this variant in disease. Therefore, it has been classified as a Variant of Uncertain Significance.